The following is an entry in ClinVar:

ClinVar aggregate classification (germline): Likely benign. Review status: criteria provided, multiple submitters, no conflicts (2 of 4 stars). 2 submissions from 2 submitters: Likely benign (2). Last evaluated 2026-06-28.

Conditions:
XYLT2-related disorder. Also called: XYLT2-related condition.

Allele frequency attached by ClinVar (database versions not stated): gnomAD exomes 0.00001; ExAC 0.00007; ESP Exome Variant Server 0.00008; gnomAD 0.00018; TOPMed 0.00022; 1000 Genomes Project 30x 0.00031; 1000 Genomes Project 0.00040.

Submissions (2):

PreventionGenetics, part of Exact Sciences
Classification: Likely benign for XYLT2-related condition. Last evaluated: 2026-06-28. Review status: criteria provided, single submitter. Criteria: ACMG Guidelines, 2015. Collection method: clinical testing. Allele origin: germline.
Comment: This variant is classified as likely benign based on ACMG/AMP sequence variant interpretation guidelines (Richards et al. 2015 PMID: 25741868, with internal and published modifications).

Labcorp Genetics (formerly Invitae), Labcorp
Classification: Likely benign. Last evaluated: 2025-05-07. Review status: criteria provided, single submitter. Criteria: Invitae Variant Classification Sherloc (09022015). Collection method: clinical testing. Allele origin: germline.

NM_022167.4(XYLT2):c.2379G>A (p.Ala793=)

Gene: XYLT2 (xylosyltransferase 2; plus strand). Cytogenetic location: 17q21.33.
Variant type: single nucleotide variant.
Coding change: c.2379G>A on transcript NM_022167.4 (MANE Select); coding-DNA position 2379, G replaced by A.
Protein change: p.Ala793=; no amino-acid change (alanine 793 retained).
Molecular consequence: synonymous variant.
Genome position (GRCh38, 1-based): chr17:50,360,072, G>A. VCF-style: chr17-50360072-G-A. GRCh37 (hg19) VCF-style: chr17-48437433-G-A.
Other names: c.2379G>A (NM_022167.3).
Identifiers: ClinVar variation 2902498 (VCV002902498.4), dbSNP rs187286016, ClinGen allele CA8646728.